The following is an entry in ClinVar:

NM_174937.4(TCERG1L):c.729C>T (p.Ala243=)

Gene: TCERG1L (transcription elongation regulator 1 like; minus strand). Cytogenetic location: 10q26.3.
Variant type: single nucleotide variant.
Coding change: c.729C>T on transcript NM_174937.4 (MANE Select); coding-DNA position 729, C replaced by T.
Protein change: p.Ala243=; no amino-acid change (alanine 243 retained).
Molecular consequence: synonymous variant.
Genome position (GRCh38, 1-based): chr10:131,260,386, G>A on the plus strand (C>T on the coding strand, the complement: TCERG1L is on the minus strand). VCF-style: chr10-131260386-G-A. GRCh37 (hg19) VCF-style: chr10-133058649-G-A.
Identifiers: ClinVar variation 785332 (VCV000785332.28), dbSNP rs149055623, ClinGen allele CA5750168.

ClinVar aggregate classification (germline): Benign/Likely benign. Review status: criteria provided, multiple submitters, no conflicts (2 of 4 stars). 3 submissions from 3 submitters: Benign (2); Likely benign (1). Last evaluated 2023-01-01.

Allele frequency attached by ClinVar (database versions not stated): ESP Exome Variant Server 0.00046; gnomAD 0.00095 and 0.00111; 1000 Genomes Project 0.00100; TOPMed 0.00105; gnomAD exomes 0.00113 and 0.00201; 1000 Genomes Project 30x 0.00125; ExAC 0.00325.
gnomAD v4.1: 1,782 of 1,489,208 alleles (0.12%); highest among the groups gnomAD compares: Middle Eastern, 1.5%; 14 homozygotes.

Submissions (3):

CeGaT Center for Human Genetics Tuebingen
Classification: Likely benign. Last evaluated: 2023-01-01. Review status: criteria provided, single submitter. Criteria: CeGaT Center For Human Genetics Tuebingen Variant Classification Criteria Version 2. Collection method: clinical testing. Allele origin: germline. Affected: yes. Observed: 2 variant alleles.
Comment: TCERG1L: BP4, BP7

Labcorp Genetics (formerly Invitae), Labcorp
Classification: Benign. Last evaluated: 2018-07-21. Review status: criteria provided, single submitter. Criteria: Invitae Variant Classification Sherloc (09022015). Collection method: clinical testing. Allele origin: germline.

Breakthrough Genomics
Classification: Benign. Review status: criteria provided, single submitter. Criteria: ACMG Guidelines, 2015. Collection method: not provided. Allele origin: germline. Inheritance: Unknown mechanism. Affected: yes.